The following is an entry in ClinVar:

ClinVar aggregate classification (germline): Likely pathogenic (1 of 4 stars; one submission).

Conditions:
Spastic ataxia 2. Also called: Ataxia, spastic, 2, autosomal recessive. Identifiers: Orphanet 397946, MedGen C1969796, MONDO:0012651, OMIM 611302.

Submission:

Labcorp Genetics (formerly Invitae), Labcorp
Classification: Likely pathogenic for Spastic ataxia 2. Last evaluated: 2023-02-25. Review status: criteria provided, single submitter. Criteria: Invitae Variant Classification Sherloc (09022015). Collection method: clinical testing. Allele origin: germline.
Comment: Algorithms developed to predict the effect of sequence changes on RNA splicing suggest that this variant may disrupt the consensus splice site. This sequence change affects a donor splice site in intron 16 of the KIF1C gene. It is expected to disrupt RNA splicing. Variants that disrupt the donor or acceptor splice site typically lead to a loss of protein function (PMID: 16199547), and loss-of-function variants in KIF1C are known to be pathogenic (PMID: 24319291, 24482476). This variant is not present in population databases (gnomAD no frequency). This variant has not been reported in the literature in individuals affected with KIF1C-related conditions. In summary, the currently available evidence indicates that the variant is pathogenic, but additional data are needed to prove that conclusively. Therefore, this variant has been classified as Likely Pathogenic.

Literature cited by the submitters: PubMed 16199547; PubMed 24319291; PubMed 24482476.

NM_006612.6(KIF1C):c.1491+2T>C

Gene: KIF1C (kinesin family member 1C; plus strand). Cytogenetic location: 17p13.2.
Variant type: single nucleotide variant.
Coding change: c.1491+2T>C on transcript NM_006612.6 (MANE Select); the canonical splice donor site of the intron after coding-DNA position 1491, T replaced by C.
Molecular consequence: splice donor variant.
Genome position (GRCh38, 1-based): chr17:5,007,544, T>C. VCF-style: chr17-5007544-T-C. GRCh37 (hg19) VCF-style: chr17-4910839-T-C.
Identifiers: ClinVar variation 2847385 (VCV002847385.3), dbSNP rs2508163426, ClinGen allele CA397349797.